The following is an entry in ClinVar:

ClinVar aggregate classification (germline): Uncertain significance (1 of 4 stars; one submission).

gnomAD v4.1: 10 of 1,599,890 alleles (0.00063%); highest among the groups gnomAD compares: African/African-American, 0.0013%; no homozygotes.

Submission:

Labcorp Genetics (formerly Invitae), Labcorp
Classification: Uncertain significance. Last evaluated: 2025-07-13. Review status: criteria provided, single submitter. Criteria: Invitae Variant Classification Sherloc (09022015). Collection method: clinical testing. Allele origin: germline.
Comment: This sequence change replaces glycine, which is neutral and non-polar, with arginine, which is basic and polar, at codon 329 of the MYLK3 protein (p.Gly329Arg). This variant is present in population databases (rs570086701, gnomAD 0.007%). This variant has not been reported in the literature in individuals affected with MYLK3-related conditions. An algorithm developed to predict the effect of missense changes on protein structure and function outputs the following: PolyPhen-2: "Benign". The arginine amino acid residue is found in multiple mammalian species, which suggests that this missense change does not adversely affect protein function. In summary, the available evidence is currently insufficient to determine the role of this variant in disease. Therefore, it has been classified as a Variant of Uncertain Significance.

NM_182493.3(MYLK3):c.985G>A (p.Gly329Arg)

Gene: MYLK3 (myosin light chain kinase 3; minus strand). Cytogenetic location: 16q11.2.
Variant type: single nucleotide variant.
Coding change: c.985G>A on transcript NM_182493.3 (MANE Select); coding-DNA position 985, G replaced by A.
Protein change: p.Gly329Arg; replaces glycine 329 with arginine.
Molecular consequence: missense variant. On other transcripts: intron variant (1).
Genome position (GRCh38, 1-based): chr16:46,737,727, C>T on the plus strand (G>A on the coding strand, the complement: MYLK3 is on the minus strand). VCF-style: chr16-46737727-C-T. GRCh37 (hg19) VCF-style: chr16-46771639-C-T.
Other names: c.-23+2330G>A (NM_001308301.1); short protein forms G329R.
Identifiers: ClinVar variation 4691300 (VCV004691300.1).